The following is an entry in ClinVar:

ClinVar aggregate classification (germline): Uncertain significance. Review status: criteria provided, multiple submitters, no conflicts (2 of 4 stars). 5 submissions from 5 submitters: Uncertain significance (5). Last evaluated 2025-10-12.

Conditions:
RYR1-related disorder. Also called: RYR1-related condition; RYR1-related disorders. Identifiers: MedGen CN239331.
Malignant hyperthermia, susceptibility to, 1 (MHS1). Also called: Malignant hyperthermia suceptibility 1; RYR1-Related Malignant Hyperthermia Susceptibility; Anesthesia related hyperthermia; Malignant hyperpyrexia; Fulminating hyperpyrexia; Pharmacogenic myopathy. Identifiers: Orphanet 423, MedGen C2930980, MONDO:0007783, OMIM 145600.

Allele frequency attached by ClinVar (database versions not stated): gnomAD 0.00001; ExAC 0.00004; gnomAD exomes 0.00004; 1000 Genomes Project 0.00020; 1000 Genomes Project 30x 0.00031.
gnomAD v4.1: 57 of 1,613,732 alleles (0.0035%); highest among the groups gnomAD compares: Non-Finnish European, 0.0046%; 1 homozygote.

Submissions (5):

Labcorp Genetics (formerly Invitae), Labcorp
Classification: Uncertain significance for RYR1-related disorder. Last evaluated: 2025-10-12. Review status: criteria provided, single submitter. Criteria: Invitae Variant Classification Sherloc (09022015). Collection method: clinical testing. Allele origin: germline.
Comment: This sequence change replaces arginine, which is basic and polar, with glutamine, which is neutral and polar, at codon 651 of the RYR1 protein (p.Arg651Gln). This variant is present in population databases (rs567997185, gnomAD 0.009%). This variant has not been reported in the literature in individuals affected with RYR1-related conditions. ClinVar contains an entry for this variant (Variation ID: 808534). Invitae Evidence Modeling of protein sequence and biophysical properties (such as structural, functional, and spatial information, amino acid conservation, physicochemical variation, residue mobility, and thermodynamic stability) has been performed for this missense variant. However, the output from this modeling did not meet the statistical confidence thresholds required to predict the impact of this variant on RYR1 protein function. In summary, the available evidence is currently insufficient to determine the role of this variant in disease. Therefore, it has been classified as a Variant of Uncertain Significance.

PreventionGenetics, part of Exact Sciences
Classification: Uncertain significance for RYR1-related condition. Last evaluated: 2025-09-03. Review status: criteria provided, single submitter. Criteria: ACMG Guidelines, 2015. Collection method: clinical testing. Allele origin: germline.
Comment: The RYR1 c.1952G>A variant is predicted to result in the amino acid substitution p.Arg651Gln. To our knowledge, this variant has not been reported in the literature. This variant is reported in 0.0088% of alleles in individuals of European (Non-Finnish) descent in gnomAD. At this time, the clinical significance of this variant is uncertain due to the absence of conclusive functional and genetic evidence.

GeneDx
Classification: Uncertain significance. Last evaluated: 2024-06-27. Review status: criteria provided, single submitter. Criteria: GeneDx Variant Classification Process June 2021. Collection method: clinical testing. Allele origin: germline. Affected: yes.
Comment: Not observed at significant frequency in large population cohorts (gnomAD); In silico analysis indicates that this missense variant does not alter protein structure/function; Has not been previously published as pathogenic or benign to our knowledge

Color Diagnostics, LLC DBA Color Health
Classification: Uncertain significance for Malignant hyperthermia, susceptibility to, 1. Last evaluated: 2024-03-06. Review status: criteria provided, single submitter. Criteria: ACMG Guidelines, 2015. Collection method: clinical testing. Allele origin: germline.
Comment: This missense variant replaces arginine with glutamine at codon 651 of the RYR1 protein. Computational prediction is inconclusive regarding the impact of this variant on protein structure and function. To our knowledge, functional studies have not been reported for this variant. This variant has not been reported in individuals affected with RYR1-related disorders in the literature. This variant has been identified in 11/250904 chromosomes in the general population by the Genome Aggregation Database (gnomAD). The available evidence is insufficient to determine the role of this variant in disease conclusively. Therefore, this variant is classified as a Variant of Uncertain Significance.

CeGaT Center for Human Genetics Tuebingen
Classification: Uncertain significance. Last evaluated: 2019-02-01. Review status: criteria provided, single submitter. Criteria: CeGaT Center For Human Genetics Tuebingen Variant Classification Criteria Version 2. Collection method: clinical testing. Allele origin: germline. Affected: yes. Observed: 1 variant allele.

NM_000540.3(RYR1):c.1952G>A (p.Arg651Gln)

Gene: RYR1 (ryanodine receptor 1; plus strand). Cytogenetic location: 19q13.2.
Variant type: single nucleotide variant.
Coding change: c.1952G>A on transcript NM_000540.3 (MANE Select); coding-DNA position 1952, G replaced by A.
Protein change: p.Arg651Gln; replaces arginine 651 with glutamine.
Molecular consequence: missense variant.
Genome position (GRCh38, 1-based): chr19:38,458,077, G>A. VCF-style: chr19-38458077-G-A. GRCh37 (hg19) VCF-style: chr19-38948717-G-A.
Other names: c.1952G>A, p.Arg651Gln (NM_001042723.2); c.1952G>A (NM_000540.2); short protein forms R651Q.
Identifiers: ClinVar variation 808534 (VCV000808534.49), dbSNP rs567997185, ClinGen allele CA062704.